The following is an entry in ClinVar:

NM_000038.6(APC):c.1720G>C (p.Glu574Gln)

Gene: APC (APC regulator of Wnt signaling pathway; plus strand). Cytogenetic location: 5q22.2.
Variant type: single nucleotide variant.
Coding change: c.1720G>C on transcript NM_000038.6 (MANE Select); coding-DNA position 1720, G replaced by C.
Protein change: p.Glu574Gln; replaces glutamic acid 574 with glutamine.
Molecular consequence: missense variant.
Genome position (GRCh38, 1-based): chr5:112,828,949, G>C. VCF-style: chr5-112828949-G-C. GRCh37 (hg19) VCF-style: chr5-112164646-G-C.
Other names: c.1720G>C, p.Glu574Gln (NM_001127510.3, NM_001354895.2); c.1666G>C, p.Glu556Gln (NM_001127511.3); c.1774G>C, p.Glu592Gln (NM_001354896.2); c.1750G>C, p.Glu584Gln (NM_001354897.2); c.1645G>C, p.Glu549Gln (NM_001354898.2); c.1636G>C, p.Glu546Gln (NM_001354899.2); c.1597G>C, p.Glu533Gln (NM_001354900.2); c.1543G>C, p.Glu515Gln (NM_001354901.2); and 5 more; short protein forms E473Q, E483Q, E515Q, E448Q, E546Q, E556Q, E291Q, E414Q.
Identifiers: ClinVar variation 849444 (VCV000849444.11), dbSNP rs1764024563, ClinGen allele CA16025068.

ClinVar aggregate classification (germline): Uncertain significance (1 of 4 stars; one submission).

Conditions:
Familial adenomatous polyposis 1 (FAP1). Also called: FAMILIAL ADENOMATOUS POLYPOSIS 1, ATTENUATED; POLYPOSIS, ADENOMATOUS INTESTINAL. Identifiers: MedGen C2713442, MONDO:0021056, OMIM 175100. Disease mechanism: loss of function.

Submission:

Labcorp Genetics (formerly Invitae), Labcorp
Classification: Uncertain significance for Familial adenomatous polyposis 1. Last evaluated: 2023-01-28. Review status: criteria provided, single submitter. Criteria: Invitae Variant Classification Sherloc (09022015). Collection method: clinical testing. Allele origin: germline.
Comment: This sequence change replaces glutamic acid, which is acidic and polar, with glutamine, which is neutral and polar, at codon 574 of the APC protein (p.Glu574Gln). This variant is not present in population databases (gnomAD no frequency). This variant has not been reported in the literature in individuals affected with APC-related conditions. ClinVar contains an entry for this variant (Variation ID: 849444). Advanced modeling of protein sequence and biophysical properties (such as structural, functional, and spatial information, amino acid conservation, physicochemical variation, residue mobility, and thermodynamic stability) performed at Invitae indicates that this missense variant is not expected to disrupt APC protein function. In summary, the available evidence is currently insufficient to determine the role of this variant in disease. Therefore, it has been classified as a Variant of Uncertain Significance.